The following is an entry in ClinVar:

NM_004204.5(PIGQ):c.805C>T (p.Pro269Ser)

Gene: PIGQ (phosphatidylinositol glycan anchor biosynthesis class Q; plus strand). Cytogenetic location: 16p13.3.
Variant type: single nucleotide variant.
Coding change: c.805C>T on transcript NM_004204.5 (MANE Select); coding-DNA position 805, C replaced by T.
Protein change: p.Pro269Ser; replaces proline 269 with serine.
Molecular consequence: missense variant.
Genome position (GRCh38, 1-based): chr16:575,954, C>T. VCF-style: chr16-575954-C-T. GRCh37 (hg19) VCF-style: chr16-625954-C-T.
Other names: c.805C>T, p.Pro269Ser (NM_148920.4); c.805C>T (NM_148920.1); short protein forms P269S.
Identifiers: ClinVar variation 847052 (VCV000847052.7), dbSNP rs1283058431, ClinGen allele CA394051949.

ClinVar aggregate classification (germline): Conflicting classifications of pathogenicity. Review status: criteria provided, conflicting classifications (1 of 4 stars). 2 submissions from 2 submitters: Uncertain significance (1); Likely benign (1). Last evaluated 2025-03-05.

Conditions:
Inborn genetic diseases. Identifiers: MedGen C0950123, MeSH D030342.
Epilepsy. Also called: Seizure disorder. Identifiers: MedGen C0014544, MeSH D004827, MONDO:0005027.

Allele frequency attached by ClinVar (database versions not stated): gnomAD exomes 0.00001; TOPMed 0.00002.
gnomAD v4.1: 4 of 1,585,324 alleles (0.00025%); highest among the groups gnomAD compares: Admixed American, 0.0072%; no homozygotes.

Submissions (2):

Ambry Genetics
Classification: Likely benign for Inborn genetic diseases. Last evaluated: 2025-03-05. Review status: criteria provided, single submitter. Criteria: Ambry Variant Classification Scheme 2023. Collection method: clinical testing. Allele origin: germline.

Labcorp Genetics (formerly Invitae), Labcorp
Classification: Uncertain significance for Epilepsy. Last evaluated: 2023-04-19. Review status: criteria provided, single submitter. Criteria: Invitae Variant Classification Sherloc (09022015). Collection method: clinical testing. Allele origin: germline.
Comment: ClinVar contains an entry for this variant (Variation ID: 847052). This sequence change replaces proline, which is neutral and non-polar, with serine, which is neutral and polar, at codon 269 of the PIGQ protein (p.Pro269Ser). The frequency data for this variant in the population databases is considered unreliable, as metrics indicate poor data quality at this position in the gnomAD database. This variant has not been reported in the literature in individuals affected with PIGQ-related conditions. Algorithms developed to predict the effect of missense changes on protein structure and function output the following: SIFT: "Not Available"; PolyPhen-2: "Benign"; Align-GVGD: "Not Available". The serine amino acid residue is found in multiple mammalian species, which suggests that this missense change does not adversely affect protein function. In summary, the available evidence is currently insufficient to determine the role of this variant in disease. Therefore, it has been classified as a Variant of Uncertain Significance.